The following is an entry in ClinVar:

ClinVar aggregate classification (germline): Uncertain significance. Review status: criteria provided, multiple submitters, no conflicts (2 of 4 stars). 2 submissions from 2 submitters: Uncertain significance (2). Last evaluated 2024-10-08.

Conditions:
Deficiency of adenosine deaminase 2. Also called: Polyarteritis nodosa, childhoood-onset; Adenosine Deaminase 2 Deficiency; VASCULITIS, AUTOINFLAMMATION, IMMUNODEFICIENCY, AND HEMATOLOGIC DEFECTS SYNDROME. Identifiers: Orphanet 404553, MedGen C3887654, MONDO:0014306, OMIM 615688, MONDO:0100317.
Sneddon syndrome (SNDNS). Also called: LIVEDO RETICULARIS AND CEREBROVASCULAR ACCIDENTS; Idiopathic livedo reticularis with systemic involvement. Identifiers: Orphanet 820, MedGen C0282492, MONDO:0008436, OMIM 182410.

Allele frequency attached by ClinVar (database versions not stated): gnomAD 0.00001; gnomAD exomes 0.00002 and 0.00004; TOPMed 0.00003; ExAC 0.00006; ESP Exome Variant Server 0.00015.
gnomAD v4.1: 32 of 1,613,984 alleles (0.002%); highest among the groups gnomAD compares: Admixed American, 0.0033%; no homozygotes.

Submissions (2):

Labcorp Genetics (formerly Invitae), Labcorp
Classification: Uncertain significance for Deficiency of adenosine deaminase 2. Last evaluated: 2024-10-08. Review status: criteria provided, single submitter. Criteria: Invitae Variant Classification Sherloc (09022015). Collection method: clinical testing. Allele origin: germline.
Comment: This sequence change replaces serine, which is neutral and polar, with leucine, which is neutral and non-polar, at codon 205 of the ADA2 protein (p.Ser205Leu). This variant is present in population databases (rs369306297, gnomAD 0.006%). This variant has not been reported in the literature in individuals affected with ADA2-related conditions. ClinVar contains an entry for this variant (Variation ID: 1430337). Invitae Evidence Modeling of protein sequence and biophysical properties (such as structural, functional, and spatial information, amino acid conservation, physicochemical variation, residue mobility, and thermodynamic stability) indicates that this missense variant is not expected to disrupt ADA2 protein function with a negative predictive value of 80%. Experimental studies have shown that this missense change affects ADA2 function (PMID: 34004258). In summary, the available evidence is currently insufficient to determine the role of this variant in disease. Therefore, it has been classified as a Variant of Uncertain Significance.

Fulgent Genetics
Classification: Uncertain significance for Sneddon syndrome; Deficiency of adenosine deaminase 2. Last evaluated: 2024-03-06. Review status: criteria provided, single submitter. Criteria: ACMG Guidelines, 2015. Collection method: clinical testing. Allele origin: germline.

Literature cited by the submitters: PubMed 34004258 (cited by Labcorp Genetics (formerly Invitae), Labcorp).

NM_001282225.2(ADA2):c.614C>T (p.Ser205Leu)

Gene: ADA2 (adenosine deaminase 2; minus strand). Cytogenetic location: 22q11.1.
Variant type: single nucleotide variant.
Coding change: c.614C>T on transcript NM_001282225.2 (MANE Select); coding-DNA position 614, C replaced by T.
Protein change: p.Ser205Leu; replaces serine 205 with leucine.
Molecular consequence: missense variant.
Genome position (GRCh38, 1-based): chr22:17,203,702, G>A on the plus strand (C>T on the coding strand, the complement: ADA2 is on the minus strand). VCF-style: chr22-17203702-G-A. GRCh37 (hg19) VCF-style: chr22-17684592-G-A.
Other names: c.614C>T, p.Ser205Leu (NM_001282226.2); c.488C>T, p.Ser163Leu (NM_001282227.2, NM_001282228.2); c.254C>T, p.Ser85Leu (NM_001282229.2); short protein forms S85L, S205L, S163L.
Identifiers: ClinVar variation 1430337 (VCV001430337.6), dbSNP rs369306297, ClinGen allele CA10088175.